The following is an entry in ClinVar:

ClinVar aggregate classification (germline): Pathogenic/Likely pathogenic. Review status: criteria provided, multiple submitters, no conflicts (2 of 4 stars). 4 submissions from 4 submitters: Pathogenic (3); Likely pathogenic (1). Last evaluated 2025-12-18.

Conditions:
DNAAF1-related disorders.
Primary ciliary dyskinesia. Also called: Ciliary dyskinesia. Identifiers: Orphanet 244, MedGen C0008780, MONDO:0016575, HP:0012265.
Primary ciliary dyskinesia 13. Also called: CILIARY DYSKINESIA, PRIMARY, 13, WITH OR WITHOUT SITUS INVERSUS. Identifiers: Orphanet 244, MedGen C2750790, MONDO:0013174, OMIM 613193.

Allele frequency attached by ClinVar (database versions not stated): gnomAD exomes below 0.00001; TOPMed 0.00002.
gnomAD v4.1: 4 of 1,614,106 alleles (0.00025%); highest among the groups gnomAD compares: Non-Finnish European, 0.00034%; no homozygotes.

Submissions (4):

3billion
Classification: Pathogenic for Primary ciliary dyskinesia 13. Last evaluated: 2025-12-18. Review status: criteria provided, single submitter. Criteria: ACMG Guidelines, 2015. Collection method: clinical testing. Allele origin: germline. Affected: yes.
Comment: The variant is observed at an extremely low frequency in the gnomAD v4.1.0 dataset (total allele frequency: <0.001%). Predicted Consequence/Location: Stop-gained (nonsense): predicted to result in a loss or disruption of normal protein function through nonsense-mediated decay (NMD) or protein truncation. Multiple pathogenic variants are reported downstream of the variant. The variant has been reported at least twice as pathogenic with clinical assertions and evidence for the classification (ClinVar ID: VCV000410278). Therefore, this variant is classified as Pathogenic according to the recommendation of ACMG/AMP guideline.

Labcorp Genetics (formerly Invitae), Labcorp
Classification: Pathogenic for Primary ciliary dyskinesia. Last evaluated: 2025-02-09. Review status: criteria provided, single submitter. Criteria: Invitae Variant Classification Sherloc (09022015). Collection method: clinical testing. Allele origin: germline.
Comment: This sequence change creates a premature translational stop signal (p.Gln64*) in the DNAAF1 gene. It is expected to result in an absent or disrupted protein product. Loss-of-function variants in DNAAF1 are known to be pathogenic (PMID: 19944400, 19944405). This variant is not present in population databases (gnomAD no frequency). This variant has not been reported in the literature in individuals affected with DNAAF1-related conditions. ClinVar contains an entry for this variant (Variation ID: 410278). For these reasons, this variant has been classified as Pathogenic.

Blueprint Genetics
Classification: Likely pathogenic for DNAAF1-related disorders. Last evaluated: 2023-07-05. Review status: criteria provided, single submitter. Criteria: ACMG Guidelines, 2015. Collection method: clinical testing. Allele origin: germline. Affected: yes. Observed: 1 variant allele.

Ambry Genetics
Classification: Pathogenic for Primary ciliary dyskinesia. Last evaluated: 2017-07-19. Review status: criteria provided, single submitter. Criteria: Ambry Variant Classification Scheme 2023. Collection method: clinical testing. Allele origin: germline.
Comment: The p.Q64* pathogenic mutation (also known as c.190C>T), located in coding exon 2 of the DNAAF1 gene, results from a C to T substitution at nucleotide position 190. This changes the amino acid from a glutamine to a stop codon within coding exon 2. This alteration is expected to result in loss of function by premature protein truncation or nonsense-mediated mRNA decay. As such, this alteration is interpreted as a disease-causing mutation.

Literature cited by the submitters: PubMed 19944400 (cited by Labcorp Genetics (formerly Invitae), Labcorp); PubMed 19944405 (cited by Labcorp Genetics (formerly Invitae), Labcorp).

NM_178452.6(DNAAF1):c.190C>T (p.Gln64Ter)

Gene: DNAAF1 (dynein axonemal assembly factor 1; plus strand). Cytogenetic location: 16q24.1.
Variant type: single nucleotide variant.
Coding change: c.190C>T on transcript NM_178452.6 (MANE Select); coding-DNA position 190, C replaced by T.
Protein change: p.Gln64Ter; replaces glutamine 64 with a stop codon.
Molecular consequence: nonsense.
Genome position (GRCh38, 1-based): chr16:84,149,072, C>T. VCF-style: chr16-84149072-C-T. GRCh37 (hg19) VCF-style: chr16-84182677-C-T.
Other names: short protein forms Q64*.
Identifiers: ClinVar variation 410278 (VCV000410278.22), dbSNP rs1060502829, ClinGen allele CA16615014.